The following is an entry in ClinVar:

NM_000069.3(CACNA1S):c.4616G>A (p.Arg1539His)

Gene: CACNA1S (calcium voltage-gated channel subunit alpha1 S; minus strand). Cytogenetic location: 1q32.1.
Variant type: single nucleotide variant.
Coding change: c.4616G>A on transcript NM_000069.3 (MANE Select); coding-DNA position 4616, G replaced by A.
Protein change: p.Arg1539His; replaces arginine 1539 with histidine.
Molecular consequence: missense variant.
Genome position (GRCh38, 1-based): chr1:201,047,167, C>T on the plus strand (G>A on the coding strand, the complement: CACNA1S is on the minus strand). VCF-style: chr1-201047167-C-T. GRCh37 (hg19) VCF-style: chr1-201016295-C-T.
Other names: p.Arg1539His; short protein forms R1539H.
Identifiers: ClinVar variation 836844 (VCV000836844.11), dbSNP rs774256022, ClinGen allele CA083466.

ClinVar aggregate classification (germline): Conflicting classifications of pathogenicity. Review status: criteria provided, conflicting classifications (1 of 4 stars). 4 submissions from 4 submitters: Uncertain significance (3); Benign (1). Last evaluated 2025-10-22.

Conditions:
Thyrotoxic periodic paralysis, susceptibility to, 1 (TTPP1). Identifiers: Orphanet 79102, MedGen C2749982, MONDO:0008570, OMIM 188580.
Hypokalemic periodic paralysis, type 1. Also called: Hypokalemic Periodic Paralysis Type 1 (AD); HypoPP. Identifiers: Orphanet 681, MedGen C3714580, MONDO:0042979, OMIM 170400.
Malignant hyperthermia, susceptibility to, 5 (MHS5). Also called: CACNA1S-Related Malignant Hyperthermia Susceptibility. Identifiers: Orphanet 423, MedGen C1866077, MONDO:0011163, OMIM 601887.
Congenital myopathy 18. Also called: DIHYDROPYRIDINE RECEPTOR CONGENITAL MYOPATHY; DHPR CONGENITAL MYOPATHY; Myopathy, congenital, due to dihydropyridine receptor defect. Identifiers: MedGen C5830283, MONDO:0859514, OMIM 620246.

Allele frequency attached by ClinVar (database versions not stated): TOPMed 0.00001; ExAC 0.00002.
gnomAD v4.1: 22 of 1,614,044 alleles (0.0014%); highest among the groups gnomAD compares: Admixed American, 0.012%; no homozygotes.

Submissions (4):

Mayo Clinic Laboratories, Mayo Clinic
Classification: Uncertain significance. Last evaluated: 2025-10-22. Review status: criteria provided, single submitter. Criteria: ACMG Guidelines, 2015. Collection method: clinical testing. Allele origin: germline. Observed: 1 variant allele.

Labcorp Genetics (formerly Invitae), Labcorp
Classification: Benign for Hypokalemic periodic paralysis, type 1; Malignant hyperthermia, susceptibility to, 5. Last evaluated: 2025-08-13. Review status: criteria provided, single submitter. Criteria: Invitae Variant Classification Sherloc (09022015). Collection method: clinical testing. Allele origin: germline.

All of Us Research Program, National Institutes of Health
Classification: Uncertain significance for Malignant hyperthermia, susceptibility to, 5. Last evaluated: 2024-05-09. Review status: criteria provided, single submitter. Criteria: ACMG Guidelines, 2015. Collection method: clinical testing. Allele origin: germline. Inheritance: Autosomal dominant inheritance. Observed: 5 variant alleles, 5 heterozygotes.
Comment: This missense variant replaces arginine with histidine at codon 1539 of the CACNA1S protein. Computational prediction is inconclusive regarding the impact of this variant on protein structure and function (internally defined REVEL score threshold 0.5 < inconclusive < 0.7, PMID: 27666373). To our knowledge, functional studies have not been reported for this variant. This variant has not been reported in individuals affected with CACNA1S-related disorders in the literature. This variant has been identified in 9/282872 chromosomes in the general population by the Genome Aggregation Database (gnomAD). The available evidence is insufficient to determine the role of this variant in disease conclusively. Therefore, this variant is classified as a Variant of Uncertain Significance.

This study involves interpretation of variants in research participants for the purpose of population health screening. Participant phenotype was not available at the time of variant classification. Additional details can be found in publication PMID: 35346344, PMCID: PMC8962531

Fulgent Genetics
Classification: Uncertain significance for Hypokalemic periodic paralysis, type 1; Thyrotoxic periodic paralysis, susceptibility to, 1; Malignant hyperthermia, susceptibility to, 5; Congenital myopathy 18. Last evaluated: 2024-04-12. Review status: criteria provided, single submitter. Criteria: ACMG Guidelines, 2015. Collection method: clinical testing. Allele origin: germline.